The following is an entry in ClinVar:

NM_001031710.3(KLHL7):c.1497A>C (p.Glu499Asp)

Gene: KLHL7 (kelch like family member 7; plus strand). Cytogenetic location: 7p15.3.
Variant type: single nucleotide variant.
Coding change: c.1497A>C on transcript NM_001031710.3 (MANE Select); coding-DNA position 1497, A replaced by C.
Protein change: p.Glu499Asp; replaces glutamic acid 499 with aspartic acid.
Molecular consequence: missense variant. On other transcripts: non-coding transcript variant (1).
Genome position (GRCh38, 1-based): chr7:23,174,034, A>C. VCF-style: chr7-23174034-A-C. GRCh37 (hg19) VCF-style: chr7-23213653-A-C.
Other names: c.1353A>C, p.Glu451Asp (NM_018846.5); short protein forms E451D, E499D.
Identifiers: ClinVar variation 2574361 (VCV002574361.2), dbSNP rs2534942977, ClinGen allele CA366982382.

ClinVar aggregate classification (germline): Likely pathogenic (1 of 4 stars; one submission).

Submission:

GeneDx
Classification: Likely pathogenic. Last evaluated: 2024-05-29. Review status: criteria provided, single submitter. Criteria: GeneDx Variant Classification Process June 2021. Collection method: clinical testing. Allele origin: germline. Affected: yes.
Comment: Not observed at significant frequency in large population cohorts (gnomAD); In silico analysis supports that this missense variant has a deleterious effect on protein structure/function; Has not been previously published as pathogenic or benign to our knowledge